The following is an entry in ClinVar:

ClinVar aggregate classification (germline): Pathogenic (1 of 4 stars; one submission).

Submission:

Labcorp Genetics (formerly Invitae), Labcorp
Classification: Pathogenic. Last evaluated: 2021-10-31. Review status: criteria provided, single submitter. Criteria: Invitae Variant Classification Sherloc (09022015). Collection method: clinical testing. Allele origin: germline.
Comment: For these reasons, this variant has been classified as Pathogenic. This variant has not been reported in the literature in individuals affected with TTPA-related conditions. This variant is not present in population databases (gnomAD no frequency). This sequence change creates a premature translational stop signal (p.Pro81Glnfs*3) in the TTPA gene. It is expected to result in an absent or disrupted protein product. Loss-of-function variants in TTPA are known to be pathogenic (PMID: 9463307, 26068213).

Literature cited by the submitters: PubMed 9463307; PubMed 26068213.

NM_000370.3(TTPA):c.242del (p.Pro81fs)

Gene: TTPA (alpha tocopherol transfer protein; minus strand). Cytogenetic location: 8q12.3.
Variant type: Deletion.
Coding change: c.242del on transcript NM_000370.3 (MANE Select); coding-DNA position 242, one base deleted (C; older notation c.242delC).
Protein change: p.Pro81fs; shifts the reading frame from proline 81.
Molecular consequence: frameshift variant.
Genome position (GRCh38, 1-based): chr8:63,073,051, G deleted on the plus strand (C on the coding strand, the reverse complement: TTPA is on the minus strand); the first of 2 consecutive G bases (chr8:63,073,051-63,073,052); deleting either gives the same sequence. VCF-style (leftmost placement, unchanged base first): chr8-63073050-TG-T. GRCh37 (hg19) VCF-style: chr8-63985609-TG-T.
Other names: short protein forms P81fs.
Identifiers: ClinVar variation 1457270 (VCV001457270.6), dbSNP rs2129763026, ClinGen allele CA2573143307.